The following is an entry in ClinVar:

ClinVar aggregate classification (germline): Uncertain significance. Review status: criteria provided, multiple submitters, no conflicts (2 of 4 stars). 2 submissions from 2 submitters: Uncertain significance (2). Last evaluated 2026-01-11.

gnomAD v4.1: 4 of 1,613,958 alleles (0.00025%); highest among the groups gnomAD compares: Non-Finnish European, 0.00034%; no homozygotes.

Submissions (2):

Labcorp Genetics (formerly Invitae), Labcorp
Classification: Uncertain significance. Last evaluated: 2026-01-11. Review status: criteria provided, single submitter. Criteria: Invitae Variant Classification Sherloc (09022015). Collection method: clinical testing. Allele origin: germline.
Comment: This sequence change replaces alanine, which is neutral and non-polar, with aspartic acid, which is acidic and polar, at codon 1819 of the NIN protein (p.Ala1819Asp). This variant is present in population databases (rs776944407, gnomAD 0.002%). This variant has not been reported in the literature in individuals affected with NIN-related conditions. ClinVar contains an entry for this variant (Variation ID: 4119977). An algorithm developed to predict the effect of missense changes on protein structure and function (PolyPhen-2) suggests that this variant is likely to be tolerated. In summary, the available evidence is currently insufficient to determine the role of this variant in disease. Therefore, it has been classified as a Variant of Uncertain Significance.

Ambry Genetics
Classification: Uncertain significance. Last evaluated: 2025-09-10. Review status: criteria provided, single submitter. Criteria: Ambry Variant Classification Scheme 2023. Collection method: clinical testing. Allele origin: germline.

NM_020921.4(NIN):c.5456C>A (p.Ala1819Asp)

Gene: NIN (ninein; minus strand). Cytogenetic location: 14q22.1.
Variant type: single nucleotide variant.
Coding change: c.5456C>A on transcript NM_020921.4 (MANE Select); coding-DNA position 5456, C replaced by A.
Protein change: p.Ala1819Asp; replaces alanine 1819 with aspartic acid.
Molecular consequence: missense variant.
Genome position (GRCh38, 1-based): chr14:50,739,480, G>T on the plus strand (C>A on the coding strand, the complement: NIN is on the minus strand). VCF-style: chr14-50739480-G-T. GRCh37 (hg19) VCF-style: chr14-51206198-G-T.
Other names: c.3317C>A, p.Ala1106Asp (NM_016350.5); c.5456C>A, p.Ala1819Asp (NM_182944.3, NM_182946.2); short protein forms A1819D, A1106D.
Identifiers: ClinVar variation 4119977 (VCV004119977.2).